The following is an entry in ClinVar:

ClinVar aggregate classification (germline): Conflicting classifications of pathogenicity. Review status: criteria provided, conflicting classifications (1 of 4 stars). 4 submissions from 4 submitters: Pathogenic (1); Uncertain significance (3). Last evaluated 2026-01-05.

Conditions:
Osteogenesis imperfecta type I (OI1). Also called: OI, TYPE I; OSTEOGENESIS IMPERFECTA TARDA; OSTEOGENESIS IMPERFECTA WITH BLUE SCLERAE; Classic Non-deforming Osteogenesis Imperfecta with Blue Sclerae; Lobstein disease; Osteogenesis imperfecta type 1. Identifiers: Orphanet 216796, Orphanet 666, MedGen C0023931, MONDO:0008146, OMIM 166200. Disease mechanism: loss of function.
Osteoporosis. Identifiers: MedGen C0029456, MONDO:0005298, OMIM 166710, HP:0000939.

Submissions (4):

Labcorp Genetics (formerly Invitae), Labcorp
Classification: Pathogenic for Osteogenesis imperfecta type I. Last evaluated: 2026-01-05. Review status: criteria provided, single submitter. Criteria: Invitae Variant Classification Sherloc (09022015). Collection method: clinical testing. Allele origin: germline.
Comment: This sequence change falls in intron 22 of the COL1A1 gene. It does not directly change the encoded amino acid sequence of the COL1A1 protein. This variant is not present in population databases (gnomAD no frequency). This variant has been observed in individual(s) with osteogenesis imperfecta (PMID: 30614853, 37079061; internal data). ClinVar contains an entry for this variant (Variation ID: 2664878). Algorithms developed to predict the effect of sequence changes on RNA splicing suggest that this variant may disrupt the consensus splice site. For these reasons, this variant has been classified as Pathogenic.

GeneDx
Classification: Uncertain significance. Last evaluated: 2025-09-11. Review status: criteria provided, single submitter. Criteria: GeneDx Variant Classification Process June 2021. Collection method: clinical testing. Allele origin: germline. Affected: yes.
Comment: Not observed at significant frequency in large population cohorts (gnomAD); In silico analysis supports a deleterious effect on splicing; This variant is associated with the following publications: (PMID: 30614853, 37079061, 37270749)

Revvity Omics, Revvity
Classification: Uncertain significance. Last evaluated: 2024-03-01. Review status: criteria provided, single submitter. Criteria: ACMG Guidelines, 2015. Collection method: clinical testing. Allele origin: germline.

Neuberg Centre For Genomic Medicine, NCGM
Classification: Uncertain significance for Osteoporosis. Last evaluated: 2023-02-14. Review status: criteria provided, single submitter. Criteria: ACMG Guidelines, 2015. Collection method: clinical testing. Allele origin: germline. Inheritance: Autosomal dominant inheritance. Affected: yes.

Literature cited by the submitters: PubMed 30614853 (cited by Labcorp Genetics (formerly Invitae), Labcorp); PubMed 37079061 (cited by Labcorp Genetics (formerly Invitae), Labcorp).

NM_000088.4(COL1A1):c.1516-5A>G

Gene: COL1A1 (collagen type I alpha 1 chain; minus strand). Cytogenetic location: 17q21.33.
Variant type: single nucleotide variant.
Coding change: c.1516-5A>G on transcript NM_000088.4 (MANE Select); 5 bases into the intron before coding-DNA position 1516, A replaced by G.
Molecular consequence: intron variant.
Genome position (GRCh38, 1-based): chr17:50,194,452, T>C on the plus strand (A>G on the coding strand, the complement: COL1A1 is on the minus strand). VCF-style: chr17-50194452-T-C. GRCh37 (hg19) VCF-style: chr17-48271813-T-C.
Other names: c.1516-5A>G (NM_000088.3).
Identifiers: ClinVar variation 2664878 (VCV002664878.5), dbSNP rs2509219496, ClinGen allele CA2695200280.